The following is an entry in ClinVar:

NM_017934.7(PHIP):c.2405T>A (p.Leu802Ter)

Gene: PHIP (PHIP subunit of CUL4-Ring ligase complex; minus strand). Cytogenetic location: 6q14.1.
Variant type: single nucleotide variant.
Coding change: c.2405T>A on transcript NM_017934.7 (MANE Select); coding-DNA position 2405, T replaced by A.
Protein change: p.Leu802Ter; replaces leucine 802 with a stop codon.
Molecular consequence: nonsense.
Genome position (GRCh38, 1-based): chr6:78,988,264, A>T on the plus strand (T>A on the coding strand, the complement: PHIP is on the minus strand). VCF-style: chr6-78988264-A-T. GRCh37 (hg19) VCF-style: chr6-79697981-A-T.
Other names: short protein forms L802*.
Identifiers: ClinVar variation 4995573 (VCV004995573.1).

ClinVar aggregate classification (germline): Likely pathogenic (1 of 4 stars; one submission).

Conditions:
PHIP-related disorder. Also called: PHIP-related disorders; PHIP-related condition.

Submission:

PreventionGenetics, part of Exact Sciences
Classification: Likely pathogenic for PHIP-related condition. Last evaluated: 2026-01-06. Review status: criteria provided, single submitter. Criteria: ACMG Guidelines, 2015. Collection method: clinical testing. Allele origin: germline.
Comment: The PHIP c.2405T>A variant is predicted to result in premature protein termination (p.Leu802*). To our knowledge, this variant has not been reported in the literature or in a large population database (gnomAD), indicating this variant is rare. Nonsense variants in PHIP are expected to be pathogenic. This variant is interpreted as likely pathogenic.